The following is an entry in ClinVar:

NM_001361.5(DHODH):c.6G>A (p.Ala2=)

Gene: DHODH (dihydroorotate dehydrogenase (quinone); plus strand). Cytogenetic location: 16q22.2.
Variant type: single nucleotide variant.
Coding change: c.6G>A on transcript NM_001361.5 (MANE Select); coding-DNA position 6, G replaced by A.
Protein change: p.Ala2=; no amino-acid change (alanine 2 retained).
Molecular consequence: synonymous variant.
Genome position (GRCh38, 1-based): chr16:72,008,770, G>A. VCF-style: chr16-72008770-G-A. GRCh37 (hg19) VCF-style: chr16-72042669-G-A.
Identifiers: ClinVar variation 3050686 (VCV003050686.4), dbSNP rs771428943, ClinGen allele CA8158475.

ClinVar aggregate classification (germline): Likely benign. Review status: criteria provided, single submitter (1 of 4 stars). 2 submissions from 2 submitters: Likely benign (1). 1 of the submissions does not count toward it. Last evaluated 2024-07-31.

Conditions:
DHODH-related disorder. Also called: DHODH-related condition.

gnomAD v4.1: 31 of 1,551,672 alleles (0.002%); highest among the groups gnomAD compares: Middle Eastern, 0.017%; no homozygotes.

Submissions (2):

Labcorp Genetics (formerly Invitae), Labcorp
Classification: Likely benign. Last evaluated: 2024-07-31. Review status: criteria provided, single submitter. Criteria: Invitae Variant Classification Sherloc (09022015). Collection method: clinical testing. Allele origin: germline.

PreventionGenetics, part of Exact Sciences
Classification: Likely benign for DHODH-related condition. Last evaluated: 2019-07-31. Review status: no assertion criteria provided. Collection method: clinical testing. Allele origin: germline. Not counted in ClinVar's aggregate classification.
Comment: This variant is classified as likely benign based on ACMG/AMP sequence variant interpretation guidelines (Richards et al. 2015 PMID: 25741868, with internal and published modifications).